The following is an entry in ClinVar:

ClinVar aggregate classification (germline): Uncertain significance. Review status: criteria provided, multiple submitters, no conflicts (2 of 4 stars). 2 submissions from 2 submitters: Uncertain significance (2). Last evaluated 2022-10-27.

Allele frequency attached by ClinVar (database versions not stated): ESP Exome Variant Server 0.00015.
gnomAD v4.1: 158 of 1,613,784 alleles (0.0098%); highest among the groups gnomAD compares: Admixed American, 0.047%; no homozygotes.

Submissions (2):

Labcorp Genetics (formerly Invitae), Labcorp
Classification: Uncertain significance. Last evaluated: 2022-10-27. Review status: criteria provided, single submitter. Criteria: Invitae Variant Classification Sherloc (09022015). Collection method: clinical testing. Allele origin: germline.
Comment: This sequence change affects codon 1465 of the CAD mRNA. It is a 'silent' change, meaning that it does not change the encoded amino acid sequence of the CAD protein. It affects a nucleotide within the consensus splice site. This variant is present in population databases (rs200696069, gnomAD 0.02%). This variant has not been reported in the literature in individuals affected with CAD-related conditions. ClinVar contains an entry for this variant (Variation ID: 1479178). Algorithms developed to predict the effect of sequence changes on RNA splicing suggest that this variant is not likely to affect RNA splicing. In summary, the available evidence is currently insufficient to determine the role of this variant in disease. Therefore, it has been classified as a Variant of Uncertain Significance.

Breakthrough Genomics
Classification: Uncertain significance. Review status: criteria provided, single submitter. Criteria: ACMG Guidelines, 2015. Collection method: not provided. Allele origin: germline. Inheritance: Autosomal recessive inheritance. Affected: yes.

NM_004341.5(CAD):c.4395G>C (p.Pro1465=)

Gene: CAD (carbamoyl-phosphate synthetase 2, aspartate transcarbamylase, and dihydroorotase; plus strand). Cytogenetic location: 2p23.3.
Variant type: single nucleotide variant.
Coding change: c.4395G>C on transcript NM_004341.5 (MANE Select); coding-DNA position 4395, G replaced by C.
Protein change: p.Pro1465=; no amino-acid change (proline 1465 retained).
Molecular consequence: synonymous variant.
Genome position (GRCh38, 1-based): chr2:27,236,829, G>C. VCF-style: chr2-27236829-G-C. GRCh37 (hg19) VCF-style: chr2-27459697-G-C.
Other names: c.4206G>C, p.Pro1402= (NM_001306079.2).
Identifiers: ClinVar variation 1479178 (VCV001479178.4), dbSNP rs200696069, ClinGen allele CA1573510.